The following is an entry in ClinVar:

NM_014363.6(SACS):c.7020_7024del (p.Leu2341fs)

Gene: SACS (sacsin molecular chaperone; minus strand). Cytogenetic location: 13q12.12.
Variant type: Deletion.
Coding change: c.7020_7024del on transcript NM_014363.6 (MANE Select); coding-DNA positions 7020 to 7024, 5 bases deleted (GTTAA; older notation c.7020_7024delGTTAA).
Protein change: p.Leu2341fs; shifts the reading frame from leucine 2341.
Molecular consequence: frameshift variant.
Genome position (GRCh38, 1-based): chr13:23,336,852-23,336,856, TTAAC deleted on the plus strand (GTTAA on the coding strand, the reverse complement: SACS is on the minus strand); deleting any 5 consecutive bases within chr13:23,336,852-23,336,859 gives the same sequence; the c. name uses the placement nearest the transcript's 3' end. VCF-style (leftmost placement, unchanged base first): chr13-23336851-TTTAAC-T. GRCh37 (hg19) VCF-style: chr13-23910990-TTTAAC-T.
Other names: c.6579_6583del, p.Leu2194fs (NM_001278055.2); short protein forms L2194fs, L2341fs.
Identifiers: ClinVar variation 2027041 (VCV002027041.4), dbSNP rs2542240703, ClinGen allele CA2580087132.
Genomic context (GRCh38, chr13:23,336,851, plus strand): 5'-TGAAAAGAAACCTTTTCTGAGTCAACATATGCATTCTCAACTAGAATGAAGCTAAAGGGT[TTTAAC>T]TTATCAATAATTGACATCTTAGTGATTTCATTTTGCATCAAGGCTTCATGAAGGTATTTG-3'

ClinVar aggregate classification (germline): Pathogenic (1 of 4 stars; one submission).

Conditions:
Spastic paraplegia. Identifiers: MedGen C0037772, HP:0001258.

Submission:

Labcorp Genetics (formerly Invitae), Labcorp
Classification: Pathogenic for Spastic paraplegia. Last evaluated: 2022-08-25. Review status: criteria provided, single submitter. Criteria: Invitae Variant Classification Sherloc (09022015). Collection method: clinical testing. Allele origin: germline.
Comment: For these reasons, this variant has been classified as Pathogenic. This variant disrupts a region of the SACS protein in which other variant(s) (p.Asn4549Asp) have been determined to be pathogenic (PMID: 15156359, 21507954). This suggests that this is a clinically significant region of the protein, and that variants that disrupt it are likely to be disease-causing. This variant has not been reported in the literature in individuals affected with SACS-related conditions. This variant is not present in population databases (gnomAD no frequency). This sequence change creates a premature translational stop signal (p.Leu2341Thrfs*3) in the SACS gene. While this is not anticipated to result in nonsense mediated decay, it is expected to disrupt the last 2239 amino acid(s) of the SACS protein.

Literature cited by the submitters: PubMed 15156359; PubMed 21507954.